The following is an entry in ClinVar:

ClinVar aggregate classification (germline): Pathogenic (1 of 4 stars; one submission).

Conditions:
Primary ciliary dyskinesia. Also called: Ciliary dyskinesia. Identifiers: Orphanet 244, MedGen C0008780, MONDO:0016575, HP:0012265.

Submission:

Labcorp Genetics (formerly Invitae), Labcorp
Classification: Pathogenic for Primary ciliary dyskinesia. Last evaluated: 2024-10-28. Review status: criteria provided, single submitter. Criteria: Invitae Variant Classification Sherloc (09022015). Collection method: clinical testing. Allele origin: germline.
Comment: This sequence change creates a premature translational stop signal (p.Glu229*) in the DNAAF5 gene. It is expected to result in an absent or disrupted protein product. Loss-of-function variants in DNAAF5 are known to be pathogenic (PMID: 24307375, 25232951). This variant is not present in population databases (gnomAD no frequency). This variant has not been reported in the literature in individuals affected with DNAAF5-related conditions. For these reasons, this variant has been classified as Pathogenic.

Literature cited by the submitters: PubMed 24307375; PubMed 25232951.

NM_017802.4(DNAAF5):c.685G>T (p.Glu229Ter)

Gene: DNAAF5 (dynein axonemal assembly factor 5; plus strand). Cytogenetic location: 7p22.3.
Variant type: single nucleotide variant.
Coding change: c.685G>T on transcript NM_017802.4 (MANE Select); coding-DNA position 685, G replaced by T.
Protein change: p.Glu229Ter; replaces glutamic acid 229 with a stop codon.
Molecular consequence: nonsense. On other transcripts: non-coding transcript variant (1).
Genome position (GRCh38, 1-based): chr7:729,752, G>T. VCF-style: chr7-729752-G-T. GRCh37 (hg19) VCF-style: chr7-769389-G-T.
Other names: short protein forms E229*.
Identifiers: ClinVar variation 3692648 (VCV003692648.2).